The following is an entry in ClinVar:

NM_000268.4(NF2):c.1391C>T (p.Ala464Val)

Gene: NF2 (NF2, moesin-ezrin-radixin like (MERLIN) tumor suppressor; plus strand). Cytogenetic location: 22q12.2.
Variant type: single nucleotide variant.
Coding change: c.1391C>T on transcript NM_000268.4 (MANE Select); coding-DNA position 1391, C replaced by T.
Protein change: p.Ala464Val; replaces alanine 464 with valine.
Molecular consequence: missense variant. On other transcripts: non-coding transcript variant (1), intron variant (1).
Genome position (GRCh38, 1-based): chr22:29,674,886, C>T. VCF-style: chr22-29674886-C-T. GRCh37 (hg19) VCF-style: chr22-30070875-C-T.
Other names: c.1391C>T, p.Ala464Val (NM_016418.5, NM_181825.3, NM_181832.3); c.1265C>T, p.Ala422Val (NM_181828.3); c.1268C>T, p.Ala423Val (NM_181829.3); c.1142C>T, p.Ala381Val (NM_181830.3, NM_181831.3); c.448-19866C>T (NM_181833.3); short protein forms A464V, A381V, A423V, A422V.
Identifiers: ClinVar variation 457898 (VCV000457898.19), dbSNP rs776109136, ClinGen allele CA030005.

ClinVar aggregate classification (germline): Conflicting classifications of pathogenicity. Review status: criteria provided, conflicting classifications (1 of 4 stars). 5 submissions from 5 submitters: Uncertain significance (4); Likely benign (1). Last evaluated 2026-01-18.

Conditions:
Hereditary cancer-predisposing syndrome. Also called: Neoplastic Syndromes, Hereditary; Tumor predisposition; Hereditary neoplastic syndrome; Hereditary Cancer Syndrome. Identifiers: Orphanet 140162, MedGen C0027672, MeSH D009386, MONDO:0015356.
Neurofibromatosis, type 2 (SWNV). Also called: BILATERAL ACOUSTIC NEUROFIBROMATOSIS; SCHWANNOMATOSIS, VESTIBULAR; NF2-Related Schwannomatosis. Identifiers: Orphanet 637, MedGen C0027832, MONDO:0007039, OMIM 101000. Disease mechanism: loss of function.

Allele frequency attached by ClinVar (database versions not stated): gnomAD exomes 0.00001; TOPMed 0.00001; gnomAD 0.00002; ExAC 0.00004.
gnomAD v4.1: 11 of 1,573,916 alleles (0.0007%); highest among the groups gnomAD compares: South Asian, 0.0047%; no homozygotes.

Submissions (5):

Labcorp Genetics (formerly Invitae), Labcorp
Classification: Likely benign for Neurofibromatosis, type 2. Last evaluated: 2026-01-18. Review status: criteria provided, single submitter. Criteria: Invitae Variant Classification Sherloc (09022015). Collection method: clinical testing. Allele origin: germline.

Ambry Genetics
Classification: Uncertain significance for Hereditary cancer-predisposing syndrome. Last evaluated: 2025-03-08. Review status: criteria provided, single submitter. Criteria: Ambry Variant Classification Scheme 2023. Collection method: clinical testing. Allele origin: germline.
Comment: The p.A464V variant (also known as c.1391C>T), located in coding exon 13 of the NF2 gene, results from a C to T substitution at nucleotide position 1391. The alanine at codon 464 is replaced by valine, an amino acid with similar properties. This amino acid position is not well conserved in available vertebrate species. In addition, the in silico prediction for this alteration is inconclusive. Since supporting evidence is limited at this time, the clinical significance of this alteration remains unclear.

Color Diagnostics, LLC DBA Color Health
Classification: Uncertain significance for Neurofibromatosis, type 2. Last evaluated: 2024-05-24. Review status: criteria provided, single submitter. Criteria: ACMG Guidelines, 2015. Collection method: clinical testing. Allele origin: germline.
Comment: This missense variant replaces alanine with valine at codon 464 of the NF2 protein. Computational prediction is inconclusive regarding the impact of this variant on protein structure and function. To our knowledge, functional studies have not been reported for this variant. This variant has not been reported in individuals affected with NF2-related disorders in the literature. This variant has been identified in 2/188062 chromosomes in the general population by the Genome Aggregation Database (gnomAD). The available evidence is insufficient to determine the role of this variant in disease conclusively. Therefore, this variant is classified as a Variant of Uncertain Significance.

All of Us Research Program, National Institutes of Health
Classification: Uncertain significance for Neurofibromatosis, type 2. Last evaluated: 2023-08-15. Review status: criteria provided, single submitter. Criteria: ACMG Guidelines, 2015. Collection method: clinical testing. Allele origin: germline. Inheritance: Autosomal dominant inheritance. Observed: 1 variant allele, 1 heterozygote.
Comment: This study involves interpretation of variants in research participants for the purpose of population health screening. Participant phenotype was not available at the time of variant classification. Additional details can be found in publication PMID: 35346344, PMCID: PMC8962531

GeneDx
Classification: Uncertain significance. Last evaluated: 2022-04-01. Review status: criteria provided, single submitter. Criteria: GeneDx Variant Classification Process June 2021. Collection method: clinical testing. Allele origin: germline. Affected: yes.
Comment: In silico analysis supports that this missense variant has a deleterious effect on protein structure/function; Has not been previously published as pathogenic or benign to our knowledge; This variant is associated with the following publications: (PMID: 17134719, 16324214, 22482125, 29975249)